The following is an entry in ClinVar:

ClinVar aggregate classification (germline): Pathogenic/Likely pathogenic. Review status: criteria provided, multiple submitters, no conflicts (2 of 4 stars). 3 submissions from 3 submitters: Pathogenic (1); Likely pathogenic (2). Last evaluated 2025-03-10.

Conditions:
Nemaline myopathy. Also called: Myopathies, Nemaline. Identifiers: Orphanet 607, MedGen C0206157, MONDO:0018958.
Nemaline myopathy 2 (NEM2). Also called: Nemaline myopathy 2, autosomal recessive. Identifiers: MedGen C1850569, MONDO:0009725, OMIM 256030.
Arthrogryposis multiplex congenita 6. Identifiers: MedGen C5543431, MONDO:0030281, OMIM 619334.

Allele frequency attached by ClinVar (database versions not stated): gnomAD exomes below 0.00001; TOPMed below 0.00001.
gnomAD v4.1: 1 of 1,601,404 alleles (0.000062%); highest among the groups gnomAD compares: East Asian, 0.0022%; no homozygotes.

Submissions (3):

Broad Center for Mendelian Genomics, Broad Institute of MIT and Harvard
Classification: Likely pathogenic for Nemaline myopathy. Last evaluated: 2025-03-10. Review status: criteria provided, single submitter. Criteria: ACMG Guidelines, 2015. Collection method: curation. Allele origin: germline. Inheritance: Autosomal recessive inheritance.
Comment: The c.17845-2A>T variant in NEB has not been previously reported in the literature in individuals with nemaline myopathy, but has been identified in 0.002% (1/44486) of East Asian chromosomes by the Genome Aggregation Database (gnomAD; dbSNP ID: rs1177405905). Although this variant has been seen in the general population in a heterozygous state, its frequency is low enough to be consistent with a recessive carrier frequency. This variant has also been reported in ClinVar (Variation ID: 847448) and has been interpreted as pathogenic by Invitae. This variant is located in the 3' splice region. SpliceAI predictions indicate use of an out-of-frame cryptic splice site 14 bases from the intron-exon boundary, providing evidence that this variant may cause a frameshift and lead to a premature termination codon downstream. This alteration is then predicted to lead to a truncated or absent protein. However, this information is not predictive enough to determine pathogenicity. Loss of function of the NEB gene is an established disease mechanism in autosomal recessive nemaline myopathy. In summary, although additional studies are required to fully establish its clinical significance, this variant is likely pathogenic for autosomal recessive nemaline myopathy. ACMG/AMP Criteria applied: PVS1, PM2_supporting (Richards 2015).

Fulgent Genetics
Classification: Likely pathogenic for Nemaline myopathy 2; Arthrogryposis multiplex congenita 6. Last evaluated: 2024-03-06. Review status: criteria provided, single submitter. Criteria: ACMG Guidelines, 2015. Collection method: clinical testing. Allele origin: germline.

Labcorp Genetics (formerly Invitae), Labcorp
Classification: Pathogenic for Nemaline myopathy 2. Last evaluated: 2023-09-08. Review status: criteria provided, single submitter. Criteria: Invitae Variant Classification Sherloc (09022015). Collection method: clinical testing. Allele origin: germline.
Comment: For these reasons, this variant has been classified as Pathogenic. Algorithms developed to predict the effect of sequence changes on RNA splicing suggest that this variant may disrupt the consensus splice site. ClinVar contains an entry for this variant (Variation ID: 847448). Disruption of this splice site has been observed in individual(s) with clinical features of congenital myopathy (Invitae). In at least one individual the variant was observed to be de novo. This variant is not present in population databases (gnomAD no frequency). This sequence change affects an acceptor splice site in intron 113 of the NEB gene. It is expected to disrupt RNA splicing. Variants that disrupt the donor or acceptor splice site typically lead to a loss of protein function (PMID: 16199547), and loss-of-function variants in NEB are known to be pathogenic (PMID: 25205138).

Literature cited by the submitters: PubMed 16199547 (cited by Labcorp Genetics (formerly Invitae), Labcorp); PubMed 25205138 (cited by Labcorp Genetics (formerly Invitae), Labcorp).

NM_001164508.2(NEB):c.17845-2A>T

Gene: NEB (nebulin; minus strand). Cytogenetic location: 2q23.3.
Variant type: single nucleotide variant.
Coding change: c.17845-2A>T on transcript NM_001164508.2 (MANE Select); the canonical splice acceptor site of the intron before coding-DNA position 17845, A replaced by T.
Molecular consequence: splice acceptor variant.
Genome position (GRCh38, 1-based): chr2:151,567,481, T>A on the plus strand (A>T on the coding strand, the complement: NEB is on the minus strand). VCF-style: chr2-151567481-T-A. GRCh37 (hg19) VCF-style: chr2-152423995-T-A.
Other names: c.12742-2A>T (NM_004543.5); c.17845-2A>T (NM_001164507.2, NM_001271208.2).
Identifiers: ClinVar variation 847448 (VCV000847448.14), dbSNP rs1177405905, ClinGen allele CA348804231.